The following is an entry in ClinVar:

NM_001378454.1(ALMS1):c.11073G>A (p.Glu3691=)

Gene: ALMS1 (ALMS1 centrosome and basal body associated protein; plus strand). Cytogenetic location: 2p13.1.
Variant type: single nucleotide variant.
Coding change: c.11073G>A on transcript NM_001378454.1 (MANE Select); coding-DNA position 11073, G replaced by A.
Protein change: p.Glu3691=; no amino-acid change (glutamic acid 3691 retained).
Molecular consequence: synonymous variant.
Genome position (GRCh38, 1-based): chr2:73,572,950, G>A. VCF-style: chr2-73572950-G-A. GRCh37 (hg19) VCF-style: chr2-73800077-G-A.
Other names: c.11076G>A, p.Glu3692= (NM_015120.4).
Identifiers: ClinVar variation 509905 (VCV000509905.4), dbSNP rs1421582809, ClinGen allele CA427024578.

ClinVar aggregate classification (germline): Likely benign. Review status: criteria provided, multiple submitters, no conflicts (2 of 4 stars). 2 submissions from 2 submitters: Likely benign (2). Last evaluated 2023-04-12.

Conditions:
Alstrom syndrome (ALMS). Identifiers: Orphanet 64, MedGen C0268425, MONDO:0008763, OMIM 203800.

Allele frequency attached by ClinVar (database versions not stated): gnomAD 0.00001.
gnomAD v4.1: 2 of 1,613,946 alleles (0.00012%); highest among the groups gnomAD compares: Non-Finnish European, 0.00017%; no homozygotes.

Submissions (2):

Labcorp Genetics (formerly Invitae), Labcorp
Classification: Likely benign for Alstrom syndrome. Last evaluated: 2023-04-12. Review status: criteria provided, single submitter. Criteria: Invitae Variant Classification Sherloc (09022015). Collection method: clinical testing. Allele origin: germline.

GeneDx
Classification: Likely benign. Last evaluated: 2017-06-05. Review status: criteria provided, single submitter. Criteria: GeneDx Variant Classification (06012015). Collection method: clinical testing. Allele origin: germline. Affected: yes.
Comment: This variant is considered likely benign or benign based on one or more of the following criteria: it is a conservative change, it occurs at a poorly conserved position in the protein, it is predicted to be benign by multiple in silico algorithms, and/or has population frequency not consistent with disease.